The following is an entry in ClinVar:

ClinVar aggregate classification (germline): Uncertain significance. Review status: criteria provided, multiple submitters, no conflicts (2 of 4 stars). 3 submissions from 3 submitters: Uncertain significance (3). Last evaluated 2025-01-18.

Conditions:
Dilated cardiomyopathy 1GG (CMD1GG). Identifiers: Orphanet 154, MedGen C3150898, MONDO:0013339, OMIM 613642.
Hereditary cancer-predisposing syndrome. Also called: Neoplastic Syndromes, Hereditary; Hereditary Cancer Syndrome; Hereditary neoplastic syndrome; Tumor predisposition. Identifiers: Orphanet 140162, MedGen C0027672, MeSH D009386, MONDO:0015356.
Mitochondrial complex II deficiency, nuclear type 1. Also called: SUCCINATE CoQ REDUCTASE DEFICIENCY. Identifiers: Orphanet 3208, MedGen C5700310, MONDO:0100294, OMIM 252011.
Pheochromocytoma/paraganglioma syndrome 5. Also called: Paragangliomas 5; SDHA-Related Hereditary Paraganglioma-Pheochromocytoma Syndrome. Identifiers: Orphanet 29072, MedGen C3279992, MONDO:0013602, OMIM 614165.

Submissions (3):

Ambry Genetics
Classification: Uncertain significance for Hereditary cancer-predisposing syndrome. Last evaluated: 2025-01-18. Review status: criteria provided, single submitter. Criteria: Ambry Variant Classification Scheme 2023. Collection method: clinical testing. Allele origin: germline.
Comment: The p.H621Q variant (also known as c.1863C>G), located in coding exon 14 of the SDHA gene, results from a C to G substitution at nucleotide position 1863. The histidine at codon 621 is replaced by glutamine, an amino acid with highly similar properties. This amino acid position is conserved. In addition, the in silico prediction for this alteration is inconclusive. Since supporting evidence is limited at this time, the clinical significance of this alteration remains unclear.

Baylor Genetics
Classification: Uncertain significance for Dilated cardiomyopathy 1GG. Last evaluated: 2023-08-18. Review status: criteria provided, single submitter. Criteria: ACMG Guidelines, 2015. Collection method: clinical testing. Allele origin: unknown.

Labcorp Genetics (formerly Invitae), Labcorp
Classification: Uncertain significance for Pheochromocytoma/paraganglioma syndrome 5; Mitochondrial complex II deficiency, nuclear type 1. Last evaluated: 2020-05-23. Review status: criteria provided, single submitter. Criteria: Invitae Variant Classification Sherloc (09022015). Collection method: clinical testing. Allele origin: germline.
Comment: This variant has not been reported in the literature in individuals with SDHA-related disease. Algorithms developed to predict the effect of missense changes on protein structure and function do not agree on the potential impact of this missense change (SIFT: "Deleterious"; PolyPhen-2: "Benign"; Align-GVGD: "Class C15"). In summary, the available evidence is currently insufficient to determine the role of this variant in disease. Therefore, it has been classified as a Variant of Uncertain Significance. This variant is not present in population databases (ExAC no frequency). This sequence change replaces histidine with glutamine at codon 621 of the SDHA protein (p.His621Gln). The histidine residue is highly conserved and there is a small physicochemical difference between histidine and glutamine.

NM_004168.4(SDHA):c.1863C>G (p.His621Gln)

Gene: SDHA (succinate dehydrogenase complex flavoprotein subunit A; plus strand). Cytogenetic location: 5p15.33.
Variant type: single nucleotide variant.
Coding change: c.1863C>G on transcript NM_004168.4 (MANE Select); coding-DNA position 1863, C replaced by G.
Protein change: p.His621Gln; replaces histidine 621 with glutamine.
Molecular consequence: missense variant.
Genome position (GRCh38, 1-based): chr5:254,461, C>G. VCF-style: chr5-254461-C-G. GRCh37 (hg19) VCF-style: chr5-254576-C-G.
Other names: c.1719C>G, p.His573Gln (NM_001294332.2); c.1620C>G, p.His540Gln (NM_001330758.2); short protein forms H621Q, H573Q, H540Q.
Identifiers: ClinVar variation 472363 (VCV000472363.15), dbSNP rs1554002478, ClinGen allele CA359001997.